The following is an entry in ClinVar:

NM_003482.4(KMT2D):c.7011G>T (p.Gln2337His)

Gene: KMT2D (lysine methyltransferase 2D; minus strand). Cytogenetic location: 12q13.12.
Variant type: single nucleotide variant.
Coding change: c.7011G>T on transcript NM_003482.4 (MANE Select); coding-DNA position 7011, G replaced by T.
Protein change: p.Gln2337His; replaces glutamine 2337 with histidine.
Molecular consequence: missense variant.
Genome position (GRCh38, 1-based): chr12:49,040,759, C>A on the plus strand (G>T on the coding strand, the complement: KMT2D is on the minus strand). VCF-style: chr12-49040759-C-A. GRCh37 (hg19) VCF-style: chr12-49434542-C-A.
Other names: short protein forms Q2337H.
Identifiers: ClinVar variation 2963652 (VCV002963652.3), dbSNP rs919292854, ClinGen allele CA236648438.

ClinVar aggregate classification (germline): Uncertain significance (1 of 4 stars; one submission).

Conditions:
Kabuki syndrome. Also called: Kabuki make-up syndrome; NIIKAWA-KUROKI SYNDROME. Identifiers: Orphanet 2322, MedGen C0796004, MONDO:0016512.

Allele frequency attached by ClinVar (database versions not stated): TOPMed 0.00002; gnomAD 0.00001.
gnomAD v4.1: 8 of 1,613,382 alleles (0.0005%); highest among the groups gnomAD compares: Non-Finnish European, 0.00059%; no homozygotes.

Submission:

Labcorp Genetics (formerly Invitae), Labcorp
Classification: Uncertain significance for Kabuki syndrome. Last evaluated: 2025-11-24. Review status: criteria provided, single submitter. Criteria: Invitae Variant Classification Sherloc (09022015). Collection method: clinical testing. Allele origin: germline.
Comment: This sequence change replaces glutamine, which is neutral and polar, with histidine, which is basic and polar, at codon 2337 of the KMT2D protein (p.Gln2337His). This variant is not present in population databases (gnomAD no frequency). This variant has not been reported in the literature in individuals affected with KMT2D-related conditions. ClinVar contains an entry for this variant (Variation ID: 2963652). Invitae Evidence Modeling of protein sequence and biophysical properties (such as structural, functional, and spatial information, amino acid conservation, physicochemical variation, residue mobility, and thermodynamic stability) indicates that this missense variant is not expected to disrupt KMT2D protein function with a negative predictive value of 95%. In summary, the available evidence is currently insufficient to determine the role of this variant in disease. Therefore, it has been classified as a Variant of Uncertain Significance.